The following is an entry in ClinVar:

NM_001379500.1(COL18A1):c.3682G>A (p.Val1228Ile)

Genes: SLC19A1 (solute carrier family 19 member 1; minus strand), COL18A1 (collagen type XVIII alpha 1 chain; plus strand). Cytogenetic location: 21q22.3.
Variant type: single nucleotide variant.
Coding change: c.3682G>A on transcript NM_001379500.1 (MANE Select); coding-DNA position 3682, G replaced by A.
Protein change: p.Val1228Ile; replaces valine 1228 with isoleucine.
Molecular consequence: missense variant.
Genome position (GRCh38, 1-based): chr21:45,510,250, G>A. VCF-style: chr21-45510250-G-A. GRCh37 (hg19) VCF-style: chr21-46930164-G-A.
Other names: c.4213G>A, p.Val1405Ile (NM_030582.4); c.4918G>A, p.Val1640Ile (NM_130444.3); short protein forms V1405I, V1640I, V1228I.
Identifiers: ClinVar variation 340270 (VCV000340270.16), dbSNP rs750065884, ClinGen allele CA10068005.

ClinVar aggregate classification (germline): Uncertain significance. Review status: criteria provided, multiple submitters, no conflicts (2 of 4 stars). 3 submissions from 3 submitters: Uncertain significance (3). Last evaluated 2025-11-17.

Allele frequency attached by ClinVar (database versions not stated): gnomAD 0.00001 and 0.00002; TOPMed 0.00002; gnomAD exomes 0.00003; ExAC 0.00005.
gnomAD v4.1: 39 of 1,604,586 alleles (0.0024%); highest among the groups gnomAD compares: Middle Eastern, 0.016%; no homozygotes.

Submissions (3):

Labcorp Genetics (formerly Invitae), Labcorp
Classification: Uncertain significance. Last evaluated: 2025-11-17. Review status: criteria provided, single submitter. Criteria: Invitae Variant Classification Sherloc (09022015). Collection method: clinical testing. Allele origin: germline.
Comment: This sequence change replaces valine, which is neutral and non-polar, with isoleucine, which is neutral and non-polar, at codon 1225 of the COL18A1 protein (p.Val1225Ile). The frequency data for this variant in the population databases is considered unreliable, as metrics indicate poor data quality at this position in the gnomAD database. This variant has not been reported in the literature in individuals affected with COL18A1-related conditions. ClinVar contains an entry for this variant (Variation ID: 340270). Experimental studies and prediction algorithms are not available or were not evaluated, and the functional significance of this variant is currently unknown. In summary, the available evidence is currently insufficient to determine the role of this variant in disease. Therefore, it has been classified as a Variant of Uncertain Significance.

Women's Health and Genetics/Laboratory Corporation of America, LabCorp
Classification: Uncertain significance. Last evaluated: 2025-02-05. Review status: criteria provided, single submitter. Criteria: LabCorp Variant Classification Summary - May 2015. Collection method: clinical testing. Allele origin: germline.
Comment: Variant summary: COL18A1 c.3682G>A (p.Val1228Ile) also known as c.4918G>A in transcript NM_130444.3 results in a conservative amino acid change in the encoded protein sequence. Two of four in-silico tools predict a benign effect of the variant on protein function. The variant allele was found at a frequency of 2.7e-05 in 224826 control chromosomes. The available data on variant occurrences in the general population are insufficient to allow any conclusion about variant significance. To our knowledge, no occurrence of c.3682G>A in individuals affected with Knobloch Syndrome 1 and no experimental evidence demonstrating its impact on protein function have been reported. ClinVar contains an entry for this variant (Variation ID: 340270). Based on the evidence outlined above, the variant was classified as uncertain significance.

Blueprint Genetics
Classification: Uncertain significance. Last evaluated: 2021-10-27. Review status: criteria provided, single submitter. Criteria: ACMG Guidelines, 2015. Collection method: clinical testing. Allele origin: germline.